The following is an entry in ClinVar:

NM_000545.8(HNF1A):c.1624-1G>A

Gene: HNF1A (HNF1 homeobox A; plus strand). Cytogenetic location: 12q24.31.
Variant type: single nucleotide variant.
Coding change: c.1624-1G>A on transcript NM_000545.8 (MANE Select); the canonical splice acceptor site of the intron before coding-DNA position 1624, G replaced by A.
Molecular consequence: splice acceptor variant. On other transcripts: synonymous variant (1).
Genome position (GRCh38, 1-based): chr12:120,999,482, G>A. VCF-style: chr12-120999482-G-A. GRCh37 (hg19) VCF-style: chr12-121437285-G-A.
Other names: NM_001306179.2:c.1644G>A; c.1644G>A, p.Gln548= (NM_001306179.2); c.1432-1G>A (NM_001406915.1).
Identifiers: ClinVar variation 3338656 (VCV003338656.3).

ClinVar aggregate classification (germline): Likely pathogenic. Review status: reviewed by expert panel (3 of 4 stars). 2 submissions from 2 submitters: Likely pathogenic (1). 1 of the submissions does not count toward it. Last evaluated 2024-08-01.

Conditions:
Monogenic diabetes. Identifiers: Orphanet 183625, MedGen C3888631, MONDO:0015967.

Submissions (2):

ClinGen Monogenic Diabetes Variant Curation Expert Panel
Classification: Likely pathogenic for Monogenic diabetes. Last evaluated: 2024-08-01. Review status: reviewed by expert panel. Criteria: ClinGen Diabetes ACMG Specifications HNF1A V2.1.0. Collection method: curation. Allele origin: germline. Inheritance: Autosomal dominant inheritance.
Comment: The c.1624-1G>A variant in the HNF1 homeobox A gene, HNF1A, is predicted to remove a canonical splice acceptor site in intron 9 of NM_000545.8. This variant is predicted to cause skipping of biologically-relevant exon 9 of 10, resulting in a frameshift, leading to nonsense mediated decay in a gene in which loss-of-function is an established disease mechanism (PVS1; PMID:23348805). Additionally, this variant is absent from gnomAD v2.1.1 (PM2_Supporting). This variant was identified in an individual with diabetes; however, the MODY probability is unable to be calculated due to lack of information about when insulin was started, and HNF4A was not tested (internal lab contributors). In summary, c.1624-G>A meets the criteria to be classified as likely pathogenic for monogenic diabetes. ACMG/AMP criteria applied, as specified by the ClinGen MDEP (specification version 2.1.0 approved 8/11/2023): PVS1, PM2_Supporting

Labcorp Genetics (formerly Invitae), Labcorp
Classification: Likely pathogenic. Last evaluated: 2025-01-29. Review status: criteria provided, single submitter. Criteria: Invitae Variant Classification Sherloc (09022015). Collection method: clinical testing. Allele origin: germline. Not counted in ClinVar's aggregate classification.
Comment: This sequence change affects an acceptor splice site in intron 8 of the HNF1A gene. It is expected to disrupt RNA splicing. Variants that disrupt the donor or acceptor splice site typically lead to a loss of protein function (PMID: 16199547), and loss-of-function variants in HNF1A are known to be pathogenic (PMID: 15928245, 18003757). This variant is not present in population databases (gnomAD no frequency). This variant has not been reported in the literature in individuals affected with HNF1A-related conditions. ClinVar contains an entry for this variant (Variation ID: 3338656). Algorithms developed to predict the effect of sequence changes on RNA splicing suggest that this variant may disrupt the consensus splice site. In summary, the currently available evidence indicates that the variant is pathogenic, but additional data are needed to prove that conclusively. Therefore, this variant has been classified as Likely Pathogenic.

Literature cited by the submitters: PubMed 16199547 (cited by Labcorp Genetics (formerly Invitae), Labcorp); PubMed 15928245 (cited by Labcorp Genetics (formerly Invitae), Labcorp); PubMed 18003757 (cited by Labcorp Genetics (formerly Invitae), Labcorp).